The following is an entry in ClinVar:

ClinVar aggregate classification (germline): Pathogenic (1 of 4 stars; one submission).

Conditions:
Glycogen storage disease, type IV (GSD4). Also called: Glycogen storage disease due to glycogen branching enzyme deficiency; AMYLOPECTINOSIS; ANDERSEN DISEASE; BRANCHER DEFICIENCY; CIRRHOSIS, FAMILIAL, WITH DEPOSITION OF ABNORMAL GLYCOGEN; GBE1 DEFICIENCY. Identifiers: Orphanet 367, MedGen C0017923, MONDO:0009292, OMIM 232500.

Submission:

Myriad Genetics, Inc.
Classification: Pathogenic for Glycogen storage disease, type IV. Last evaluated: 2026-06-05. Review status: criteria provided, single submitter. Criteria: Myriad Autosomal Dominant, Autosomal Recessive and X-Linked Classification Criteria (2023). Collection method: clinical testing. Allele origin: unknown.
Comment: NM_000158.3(GBE1):c.1937delT(F646Sfs*5) is a frameshift variant classified as pathogenic in the context of glycogen storage disease, GBE1-related. F646Sfs*5 has been observed in a case with relevant disease (PMID: 25489661). Relevant functional assessments of this variant are not available in the literature. F646Sfs*5 has not been observed in referenced population frequency databases. In summary, NM_000158.3(GBE1):c.1937delT(F646Sfs*5) is a frameshift variant in a gene where loss of function is a known mechanism of disease, is predicted to disrupt protein function, and has been observed more frequently in cases with the relevant disease than in healthy populations. Please note: this variant was assessed in the context of healthy population screening.

Literature cited by the submitters: PubMed 25489661.

NM_000158.4(GBE1):c.1937del (p.Phe646fs)

Gene: GBE1 (1,4-alpha-glucan branching enzyme 1; minus strand). Cytogenetic location: 3p12.2.
Variant type: Deletion.
Coding change: c.1937del on transcript NM_000158.4 (MANE Select); coding-DNA position 1937, one base deleted (T; older notation c.1937delT).
Protein change: p.Phe646fs; shifts the reading frame from phenylalanine 646.
Molecular consequence: frameshift variant.
Genome position (GRCh38, 1-based): chr3:81,499,225, A deleted on the plus strand (T on the coding strand, the reverse complement: GBE1 is on the minus strand); the first of 2 consecutive A bases (chr3:81,499,225-81,499,226); deleting either gives the same sequence. VCF-style (leftmost placement, unchanged base first): chr3-81499224-GA-G. GRCh37 (hg19) VCF-style: chr3-81548375-GA-G.
Other names: short protein forms F646fs.
Identifiers: ClinVar variation 5003689 (VCV005003689.1).
Genomic context (GRCh38, chr3:81,499,224, plus strand): 5'-GCTGTGGTCCAGTCTCTGATGCCCTCCATATTCCGCTGCATCTGAATCTAGCACAATTTT[GA>G]ATGTACAGCTCTTAAGGAATTCACAACAGTTGAGGAGTTGAATGAGACATTGTAAAATAC-3'